The following is an entry in ClinVar:

NM_001378454.1(ALMS1):c.4739A>G (p.Asn1580Ser)

Gene: ALMS1 (ALMS1 centrosome and basal body associated protein; plus strand). Cytogenetic location: 2p13.1.
Variant type: single nucleotide variant.
Coding change: c.4739A>G on transcript NM_001378454.1 (MANE Select); coding-DNA position 4739, A replaced by G.
Protein change: p.Asn1580Ser; replaces asparagine 1580 with serine.
Molecular consequence: missense variant.
Genome position (GRCh38, 1-based): chr2:73,451,266, A>G. VCF-style: chr2-73451266-A-G. GRCh37 (hg19) VCF-style: chr2-73678393-A-G.
Other names: c.4742A>G, p.Asn1581Ser (NM_015120.4); short protein forms N1580S, N1581S.
Identifiers: ClinVar variation 3627288 (VCV003627288.2).

ClinVar aggregate classification (germline): Uncertain significance (1 of 4 stars; one submission).

Conditions:
Alstrom syndrome (ALMS). Identifiers: Orphanet 64, MedGen C0268425, MONDO:0008763, OMIM 203800.

Submission:

Labcorp Genetics (formerly Invitae), Labcorp
Classification: Uncertain significance for Alstrom syndrome. Last evaluated: 2024-08-31. Review status: criteria provided, single submitter. Criteria: Invitae Variant Classification Sherloc (09022015). Collection method: clinical testing. Allele origin: germline.
Comment: This sequence change replaces asparagine, which is neutral and polar, with serine, which is neutral and polar, at codon 1581 of the ALMS1 protein (p.Asn1581Ser). This variant is not present in population databases (gnomAD no frequency). This variant has not been reported in the literature in individuals affected with ALMS1-related conditions. Experimental studies and prediction algorithms are not available or were not evaluated, and the functional significance of this variant is currently unknown. In summary, the available evidence is currently insufficient to determine the role of this variant in disease. Therefore, it has been classified as a Variant of Uncertain Significance.